The following is an entry in ClinVar:

ClinVar aggregate classification (germline): Uncertain significance. Review status: criteria provided, multiple submitters, no conflicts (2 of 4 stars). 3 submissions from 3 submitters: Uncertain significance (3). Last evaluated 2026-01-05.

Conditions:
Fumarase deficiency (FMRD). Also called: Fumarate Hydratase Deficiency; Fumaric aciduria. Identifiers: Orphanet 24, MedGen C0342770, MONDO:0011730, OMIM 606812.
Hereditary cancer-predisposing syndrome. Also called: Neoplastic Syndromes, Hereditary; Hereditary Cancer Syndrome; Hereditary neoplastic syndrome; Tumor predisposition. Identifiers: Orphanet 140162, MedGen C0027672, MeSH D009386, MONDO:0015356.

Allele frequency attached by ClinVar (database versions not stated): gnomAD exomes below 0.00001.
gnomAD v4.1: 5 of 1,613,878 alleles (0.00031%); highest among the groups gnomAD compares: South Asian, 0.0011%; no homozygotes.

Submissions (3):

Labcorp Genetics (formerly Invitae), Labcorp
Classification: Uncertain significance. Last evaluated: 2026-01-05. Review status: criteria provided, single submitter. Criteria: Invitae Variant Classification Sherloc (09022015). Collection method: clinical testing. Allele origin: germline.
Comment: This sequence change replaces isoleucine, which is neutral and non-polar, with threonine, which is neutral and polar, at codon 201 of the FH protein (p.Ile201Thr). This variant is present in population databases (no rsID available, gnomAD 0.0009%). This variant has not been reported in the literature in individuals affected with FH-related conditions. ClinVar contains an entry for this variant (Variation ID: 850312). Invitae Evidence Modeling of protein sequence and biophysical properties (such as structural, functional, and spatial information, amino acid conservation, physicochemical variation, residue mobility, and thermodynamic stability) indicates that this missense variant is not expected to disrupt FH protein function with a negative predictive value of 95%. In summary, the available evidence is currently insufficient to determine the role of this variant in disease. Therefore, it has been classified as a Variant of Uncertain Significance.

Ambry Genetics
Classification: Uncertain significance for Hereditary cancer-predisposing syndrome. Last evaluated: 2025-02-03. Review status: criteria provided, single submitter. Criteria: Ambry Variant Classification Scheme 2023. Collection method: clinical testing. Allele origin: germline.
Comment: The p.I201T variant (also known as c.602T>C), located in coding exon 5 of the FH gene, results from a T to C substitution at nucleotide position 602. The isoleucine at codon 201 is replaced by threonine, an amino acid with similar properties. This amino acid position is conserved. In addition, this alteration is predicted to be tolerated by in silico analysis. Since supporting evidence is limited at this time, the clinical significance of this alteration remains unclear.

Baylor Genetics
Classification: Uncertain significance for Fumarase deficiency. Last evaluated: 2024-02-08. Review status: criteria provided, single submitter. Criteria: ACMG Guidelines, 2015. Collection method: clinical testing. Allele origin: unknown.

NM_000143.4(FH):c.602T>C (p.Ile201Thr)

Gene: FH (fumarate hydratase; minus strand). Cytogenetic location: 1q43.
Variant type: single nucleotide variant.
Coding change: c.602T>C on transcript NM_000143.4 (MANE Select); coding-DNA position 602, T replaced by C.
Protein change: p.Ile201Thr; replaces isoleucine 201 with threonine.
Molecular consequence: missense variant.
Genome position (GRCh38, 1-based): chr1:241,508,739, A>G on the plus strand (T>C on the coding strand, the complement: FH is on the minus strand). VCF-style: chr1-241508739-A-G. GRCh37 (hg19) VCF-style: chr1-241672039-A-G.
Other names: short protein forms I201T.
Identifiers: ClinVar variation 850312 (VCV000850312.12), dbSNP rs1476664795, ClinGen allele CA345439415.
Genomic context (GRCh38, chr1:241,508,739, plus strand): 5'-TTTGCATCAAGAGCATCATGTAACTTCTGTAGTCCTGGTAACAGTACTTCATGAACTTCT[A>G]TTGCAGCAGCAATGTGCATTGCTGTGGGAAAAGTATCATTTGAGCTCTGTTGGAAATTTT-3'
Protein context (NP_000134.2, residues 191-211): FPTAMHIAAA[Ile201Thr]EVHEVLLPGL